The following is an entry in ClinVar:

ClinVar aggregate classification (germline): Uncertain significance. Review status: criteria provided, multiple submitters, no conflicts (2 of 4 stars). 4 submissions from 4 submitters: Uncertain significance (4). Last evaluated 2024-02-16.

Conditions:
Inborn genetic diseases. Identifiers: MedGen C0950123, MeSH D030342.
Inherited glutathione synthetase deficiency. Identifiers: Orphanet 32, MedGen C5979912, MONDO:0017909.

Allele frequency attached by ClinVar (database versions not stated): gnomAD 0.00005 and 0.00006; gnomAD exomes 0.00005 and 0.00006; TOPMed 0.00006; ESP Exome Variant Server 0.00008; ExAC 0.00010.

Submissions (4):

Revvity Omics, Revvity
Classification: Uncertain significance. Last evaluated: 2024-02-16. Review status: criteria provided, single submitter. Criteria: ACMG Guidelines, 2015. Collection method: clinical testing. Allele origin: germline.

ARUP Laboratories, Molecular Genetics and Genomics, ARUP Laboratories
Classification: Uncertain significance. Last evaluated: 2023-11-29. Review status: criteria provided, single submitter. Criteria: ARUP Molecular Germline Variant Investigation Process 2024. Collection method: clinical testing. Allele origin: germline.

Ambry Genetics
Classification: Uncertain significance for Inborn genetic diseases. Last evaluated: 2023-02-01. Review status: criteria provided, single submitter. Criteria: Ambry Variant Classification Scheme 2023. Collection method: clinical testing. Allele origin: germline.

Labcorp Genetics (formerly Invitae), Labcorp
Classification: Uncertain significance for Glutathione synthetase deficiency with 5-oxoprolinuria. Last evaluated: 2022-08-31. Review status: criteria provided, single submitter. Criteria: Invitae Variant Classification Sherloc (09022015). Collection method: clinical testing. Allele origin: germline.
Comment: This sequence change replaces valine, which is neutral and non-polar, with methionine, which is neutral and non-polar, at codon 440 of the GSS protein (p.Val440Met). This variant is present in population databases (rs371147790, gnomAD 0.02%). This variant has not been reported in the literature in individuals affected with GSS-related conditions. ClinVar contains an entry for this variant (Variation ID: 1415236). Algorithms developed to predict the effect of missense changes on protein structure and function (SIFT, PolyPhen-2, Align-GVGD) all suggest that this variant is likely to be tolerated. In summary, the available evidence is currently insufficient to determine the role of this variant in disease. Therefore, it has been classified as a Variant of Uncertain Significance.

NM_000178.4(GSS):c.1318G>A (p.Val440Met)

Gene: GSS (glutathione synthetase; minus strand). Cytogenetic location: 20q11.22.
Variant type: single nucleotide variant.
Coding change: c.1318G>A on transcript NM_000178.4 (MANE Select); coding-DNA position 1318, G replaced by A.
Protein change: p.Val440Met; replaces valine 440 with methionine.
Molecular consequence: missense variant.
Genome position (GRCh38, 1-based): chr20:34,928,935, C>T on the plus strand (G>A on the coding strand, the complement: GSS is on the minus strand). VCF-style: chr20-34928935-C-T. GRCh37 (hg19) VCF-style: chr20-33516738-C-T.
Other names: c.1318G>A (NM_000178.2); c.1318G>A, p.Val440Met (NM_001322494.1, NM_001322495.1); short protein forms V440M.
Identifiers: ClinVar variation 1415236 (VCV001415236.8), dbSNP rs371147790, ClinGen allele CA9825806.